The following is an entry in ClinVar:

ClinVar aggregate classification (germline): Uncertain significance (1 of 4 stars; one submission).

Submission:

Ambry Genetics
Classification: Uncertain significance. Last evaluated: 2026-02-24. Review status: criteria provided, single submitter. Criteria: Ambry Variant Classification Scheme 2023. Collection method: clinical testing. Allele origin: germline.
Comment: The p.E617K variant (also known as c.1849G>A), located in coding exon 12 of the RINT1 gene, results from a G to A substitution at nucleotide position 1849. The glutamic acid at codon 617 is replaced by lysine, an amino acid with similar properties. This amino acid position is conserved. In addition, the in silico prediction for this alteration is inconclusive. Based on the available evidence, the clinical significance of this variant remains unclear.

NM_021930.6(RINT1):c.1849G>A (p.Glu617Lys)

Gene: RINT1 (RAD50 interactor 1; plus strand). Cytogenetic location: 7q22.3.
Variant type: single nucleotide variant.
Coding change: c.1849G>A on transcript NM_021930.6 (MANE Select); coding-DNA position 1849, G replaced by A.
Protein change: p.Glu617Lys; replaces glutamic acid 617 with lysine.
Molecular consequence: missense variant. On other transcripts: non-coding transcript variant (1).
Genome position (GRCh38, 1-based): chr7:105,563,910, G>A. VCF-style: chr7-105563910-G-A. GRCh37 (hg19) VCF-style: chr7-105204357-G-A.
Other names: c.826G>A, p.Glu276Lys (NM_001346600.2, NM_001346603.2); c.925G>A, p.Glu309Lys (NM_001346601.2); c.1615G>A, p.Glu539Lys (NM_001346599.2); short protein forms E276K, E617K, E539K, E309K.
Identifiers: ClinVar variation 4825980 (VCV004825980.1).
Genomic context (GRCh38, chr7:105,563,910, plus strand): 5'-AACCTCTTAGAACGTTTAAAGCATGATATGTTGACCCGTCAAGTAGACCACGTTTTTAGA[G>A]AAGTTAAAGATGCTGCAAAATTGTATAAAAAAGAAAGGTATGTCCTCTATGTAAGTCAGC-3'
Protein context (NP_068749.3, residues 607-627): LTRQVDHVFR[Glu617Lys]VKDAAKLYKK